The following is an entry in ClinVar:

NM_001005361.3(DNM2):c.1004A>T (p.Gln335Leu)

Gene: DNM2 (dynamin 2; plus strand). Cytogenetic location: 19p13.2.
Variant type: single nucleotide variant.
Coding change: c.1004A>T on transcript NM_001005361.3 (MANE Select); coding-DNA position 1004, A replaced by T.
Protein change: p.Gln335Leu; replaces glutamine 335 with leucine.
Molecular consequence: missense variant.
Genome position (GRCh38, 1-based): chr19:10,793,731, A>T. VCF-style: chr19-10793731-A-T. GRCh37 (hg19) VCF-style: chr19-10904407-A-T.
Other names: c.1004A>T, p.Gln335Leu (NM_001005360.3, NM_001005362.3, NM_001190716.2 and 1 more transcripts); short protein forms Q335L.
Identifiers: ClinVar variation 426423 (VCV000426423.5), dbSNP rs759996048, ClinGen allele CA9200968.

ClinVar aggregate classification (germline): Uncertain significance. Review status: criteria provided, multiple submitters, no conflicts (2 of 4 stars). 2 submissions from 2 submitters: Uncertain significance (2). Last evaluated 2020-03-30.

Allele frequency attached by ClinVar (database versions not stated): ExAC 0.00001; gnomAD 0.00001; TOPMed 0.00004.
gnomAD v4.1: 2 of 1,613,938 alleles (0.00012%); highest among the groups gnomAD compares: African/African-American, 0.0027%; no homozygotes.

Submissions (2):

Revvity Omics, Revvity
Classification: Uncertain significance. Last evaluated: 2020-03-30. Review status: criteria provided, single submitter. Criteria: ACMG Guidelines, 2015. Collection method: clinical testing. Allele origin: germline.

GeneDx
Classification: Uncertain significance. Last evaluated: 2017-04-17. Review status: criteria provided, single submitter. Criteria: GeneDx Variant Classification (06012015). Collection method: clinical testing. Allele origin: germline. Affected: yes.
Comment: The Q335L variant has not been published as a pathogenic variant, nor has it been reported as a benign variant to our knowledge. The Q335L variant is not observed at a significant frequency in large population cohorts (Lek et al., 2016; 1000 Genomes Consortium et al., 2015; Exome Variant Server). This variant is a non-conservative amino acid substitution, which is likely to impact secondary protein structure as these residues differ in polarity, charge, size and/or other properties. This substitution occurs at a position that is conserved across species, and in silico analysis predicts this variant is probably damaging to the protein structure/function. However, missense variants in nearby residues have not been reported in the Human Gene Mutation Database in association with DNM2-related disorders (Stenson et al., 2014).